The following is an entry in ClinVar:

ClinVar aggregate classification (germline): Uncertain significance. Review status: criteria provided, multiple submitters, no conflicts (2 of 4 stars). 2 submissions from 2 submitters: Uncertain significance (2). Last evaluated 2025-10-05.

Conditions:
Arrhythmogenic right ventricular dysplasia 13. Also called: Arrhythmogenic right ventricular dysplasia, familial, 13; ARRHYTHMOGENIC RIGHT VENTRICULAR CARDIOMYOPATHY 13. Identifiers: MedGen C3810138, MONDO:0000908, OMIM 615616.

Allele frequency attached by ClinVar (database versions not stated): gnomAD 0.00001.
gnomAD v4.1: 1 of 1,613,774 alleles (0.000062%); highest among the groups gnomAD compares: African/African-American, 0.0013%; no homozygotes.

Submissions (2):

Ambry Genetics
Classification: Uncertain significance. Last evaluated: 2025-10-05. Review status: criteria provided, single submitter. Criteria: Ambry Variant Classification Scheme 2023. Collection method: clinical testing. Allele origin: germline.
Comment: The p.V121E variant (also known as c.362T>A), located in coding exon 3 of the CTNNA3 gene, results from a T to A substitution at nucleotide position 362. The valine at codon 121 is replaced by glutamic acid, an amino acid with dissimilar properties. This amino acid position is conserved. In addition, the in silico prediction for this alteration is inconclusive. Based on the available evidence, the clinical significance of this variant remains unclear.

Labcorp Genetics (formerly Invitae), Labcorp
Classification: Uncertain significance for Arrhythmogenic right ventricular dysplasia 13. Last evaluated: 2024-09-29. Review status: criteria provided, single submitter. Criteria: Invitae Variant Classification Sherloc (09022015). Collection method: clinical testing. Allele origin: germline.
Comment: This sequence change replaces valine, which is neutral and non-polar, with glutamic acid, which is acidic and polar, at codon 121 of the CTNNA3 protein (p.Val121Glu). This variant is not present in population databases (gnomAD no frequency). This variant has not been reported in the literature in individuals affected with CTNNA3-related conditions. ClinVar contains an entry for this variant (Variation ID: 1386472). Invitae Evidence Modeling of protein sequence and biophysical properties (such as structural, functional, and spatial information, amino acid conservation, physicochemical variation, residue mobility, and thermodynamic stability) indicates that this missense variant is expected to disrupt CTNNA3 protein function with a positive predictive value of 80%. In summary, the available evidence is currently insufficient to determine the role of this variant in disease. Therefore, it has been classified as a Variant of Uncertain Significance.

NM_013266.4(CTNNA3):c.362T>A (p.Val121Glu)

Gene: CTNNA3 (catenin alpha 3; minus strand). Cytogenetic location: 10q21.3.
Variant type: single nucleotide variant.
Coding change: c.362T>A on transcript NM_013266.4 (MANE Select); coding-DNA position 362, T replaced by A.
Protein change: p.Val121Glu; replaces valine 121 with glutamic acid.
Molecular consequence: missense variant.
Genome position (GRCh38, 1-based): chr10:67,539,600, A>T on the plus strand (T>A on the coding strand, the complement: CTNNA3 is on the minus strand). VCF-style: chr10-67539600-A-T. GRCh37 (hg19) VCF-style: chr10-69299358-A-T.
Other names: c.362T>A, p.Val121Glu (NM_001127384.3); c.398T>A, p.Val133Glu (NM_001291133.2); c.362T>A (NM_013266.2); short protein forms V133E, V121E.
Identifiers: ClinVar variation 1386472 (VCV001386472.9), dbSNP rs1840603727, ClinGen allele CA377097899.
Genomic context (GRCh38, chr10:67,539,600, plus strand): 5'-ATGTCCGCAAGGATAAGGAGTCTCGTCACCGCAGCCAGCAAGGCACGGGCAGCTTGAACC[A>T]CAGCCTCCCTTTTTGGGAGAAAACAGGGGTCATCTGTAAATCTCTCAGCTGATACTTTCA-3'
Protein context (NP_037398.2, residues 111-131): DPCFLPKREA[Val121Glu]VQAARALLAA